The following is an entry in ClinVar:

NM_021096.4(CACNA1I):c.1531G>A (p.Gly511Arg)

Gene: CACNA1I (calcium voltage-gated channel subunit alpha1 I; plus strand). Cytogenetic location: 22q13.1.
Variant type: single nucleotide variant.
Coding change: c.1531G>A on transcript NM_021096.4 (MANE Select); coding-DNA position 1531, G replaced by A.
Protein change: p.Gly511Arg; replaces glycine 511 with arginine.
Molecular consequence: missense variant. On other transcripts: intron variant (1).
Genome position (GRCh38, 1-based): chr22:39,647,890, G>A. VCF-style: chr22-39647890-G-A. GRCh37 (hg19) VCF-style: chr22-40043895-G-A.
Other names: c.1462+1009G>A (NM_001003406.2); short protein forms G511R.
Identifiers: ClinVar variation 4886217 (VCV004886217.2).
Genomic context (GRCh38, chr22:39,647,890, plus strand): 5'-ACTAAGGGTCAGGGAGATGAAGGGAGACATCTCGGAAGCCGGCATTGCCAGACTTTGCAT[G>A]GGCCTGCCTCCCCTGGAAATGATCACTCGGGAAGAGGCAAGCCAGGGCCACGGGAGGTGG-3'
Protein context (NP_066919.2, residues 501-521): LGSRHCQTLH[Gly511Arg]PASPGNDHSG

ClinVar aggregate classification (germline): Uncertain significance (1 of 4 stars; one submission).

Submission:

Dasa
Classification: Uncertain significance. Last evaluated: 2025-07-29. Review status: criteria provided, single submitter. Criteria: DASA Assertion Criteria. Collection method: clinical testing. Allele origin: germline.
Comment: NM_021096.4(CACNA1I):c.1531G>A (p.Gly511Arg) is a missense variant that results in the substitution of glycine with arginine. This variant is absent from population databases. Computational prediction algorithms are consistent with a benign effect. The currently available literature and clinical evidence are not sufficient to establish a definitive association between this variant and the reported condition. Therefore, this variant is classified as a variant of uncertain significance.